The following is an entry in ClinVar:

ClinVar aggregate classification (germline): Benign/Likely benign. Review status: criteria provided, multiple submitters, no conflicts (2 of 4 stars). 10 submissions from 10 submitters: Benign (6); Likely benign (3). 1 of the submissions does not count toward it. Last evaluated 2026-06-26.

Conditions:
Retinal dystrophy. Also called: Inherited retinal dystrophy. Identifiers: Orphanet 71862, MedGen C0854723, MeSH D058499, MONDO:0019118, HP:0000556.
ABCA4-related disorder. Also called: ABCA4-related disorders; ABCA4-related condition. Identifiers: MedGen CN239167.

Allele frequency attached by ClinVar (database versions not stated): gnomAD exomes 0.00245 and 0.00650; ExAC 0.00796; gnomAD 0.02417 and 0.02574; ESP Exome Variant Server 0.02591; TOPMed 0.02674; 1000 Genomes Project 0.02915; 1000 Genomes Project 30x 0.03045.

Submissions (10):

Women's Health and Genetics/Laboratory Corporation of America, LabCorp
Classification: Benign. Last evaluated: 2026-06-26. Review status: criteria provided, single submitter. Criteria: LabCorp Variant Classification Summary - May 2015. Collection method: clinical testing. Allele origin: germline.

Labcorp Genetics (formerly Invitae), Labcorp
Classification: Benign. Last evaluated: 2026-02-02. Review status: criteria provided, single submitter. Criteria: Invitae Variant Classification Sherloc (09022015). Collection method: clinical testing. Allele origin: germline.

Blueprint Genetics
Classification: Likely benign. Last evaluated: 2024-11-25. Review status: criteria provided, single submitter. Criteria: ACMG Guidelines, 2015. Collection method: clinical testing. Allele origin: germline.

Institute of Human Genetics, Univ. Regensburg, Univ. Regensburg
Classification: Likely benign for Retinal dystrophy. Last evaluated: 2023-01-01. Review status: criteria provided, single submitter. Criteria: ACMG Guidelines, 2015. Collection method: clinical testing. Allele origin: germline. Affected: yes.

ARUP Laboratories, Molecular Genetics and Genomics, ARUP Laboratories
Classification: Benign. Last evaluated: 2022-10-21. Review status: criteria provided, single submitter. Criteria: ARUP Molecular Germline Variant Investigation Process 2021. Collection method: clinical testing. Allele origin: germline.

Illumina Laboratory Services, Illumina
Classification: Likely benign for ABCA4-Related Disorders. Last evaluated: 2018-01-12. Review status: criteria provided, single submitter. Criteria: ICSL Variant Classification Criteria 13 December 2019. Collection method: clinical testing. Allele origin: germline.
Comment: This variant was observed in the ICSL laboratory as part of a predisposition screen in an ostensibly healthy population. It had not been previously curated by ICSL or reported in the Human Gene Mutation Database (HGMD: prior to June 1st, 2018), and was therefore a candidate for classification through an automated scoring system. Utilizing variant allele frequency, disease prevalence and penetrance estimates, and inheritance mode, an automated score was calculated to assess if this variant is too frequent to cause the disease. Based on the score and internal cut-off values, a variant classified as likely benign is not then subjected to further curation. The score for this variant resulted in a classification of likely benign for this disease.

Eurofins Ntd Llc (ga)
Classification: Benign. Last evaluated: 2015-06-11. Review status: criteria provided, single submitter. Criteria: EGL Classification Definitions 2015. Collection method: clinical testing. Allele origin: germline. Observed: 1 variant allele, 1 heterozygote.

GeneDx
Classification: Benign. Last evaluated: 2011-07-18. Review status: criteria provided, single submitter. Criteria: GeneDx Variant Classification (06012015). Collection method: clinical testing. Allele origin: germline. Affected: yes.
Comment: This variant is considered likely benign or benign based on one or more of the following criteria: it is a conservative change, it occurs at a poorly conserved position in the protein, it is predicted to be benign by multiple in silico algorithms, and/or has population frequency not consistent with disease.

PreventionGenetics, part of Exact Sciences
Classification: Benign. Review status: criteria provided, single submitter. Criteria: ACMG Guidelines, 2015. Collection method: clinical testing. Allele origin: germline.

Retina International
No classification provided. Review status: no classification provided. Collection method: not provided. Allele origin: not provided. Not counted in ClinVar's aggregate classification.

Literature cited by the submitters: PubMed 28118664 (cited by Institute of Human Genetics, Univ. Regensburg, Univ. Regensburg).

NM_000350.3(ABCA4):c.6732G>A (p.Val2244=)

Gene: ABCA4 (ATP binding cassette subfamily A member 4; minus strand). Cytogenetic location: 1p22.1.
Variant type: single nucleotide variant.
Coding change: c.6732G>A on transcript NM_000350.3 (MANE Select); coding-DNA position 6732, G replaced by A.
Protein change: p.Val2244=; no amino-acid change (valine 2244 retained).
Molecular consequence: synonymous variant.
Genome position (GRCh38, 1-based): chr1:93,996,193, C>T on the plus strand (G>A on the coding strand, the complement: ABCA4 is on the minus strand). VCF-style: chr1-93996193-C-T. GRCh37 (hg19) VCF-style: chr1-94461749-C-T.
Other names: p.V2244V:GTG>GTA; c.6510G>A, p.Val2170= (NM_001425324.1).
Identifiers: ClinVar variation 99492 (VCV000099492.23), dbSNP rs77293072, ClinGen allele CA285827.